The following is an entry in ClinVar:

ClinVar aggregate classification (germline): Benign (1 of 4 stars; one submission).

Submission:

GeneDx
Classification: Benign. Last evaluated: 2018-06-19. Review status: criteria provided, single submitter. Criteria: GeneDx Variant Classification (06012015). Collection method: clinical testing. Allele origin: germline. Affected: yes.
Comment: This variant is considered likely benign or benign based on one or more of the following criteria: it is a conservative change, it occurs at a poorly conserved position in the protein, it is predicted to be benign by multiple in silico algorithms, and/or has population frequency not consistent with disease.

NM_030962.4(SBF2):c.5038-57CAGT[3]

Genes: SBF2 (SET binding factor 2; minus strand), SBF2-AS1 (SBF2 antisense RNA 1; plus strand), LOC105369149 (uncharacterized LOC105369149; plus strand). Cytogenetic location: 11p15.4.
Variant type: Microsatellite.
Coding change: c.5038-57CAGT[3] on transcript NM_030962.4 (MANE Select); three copies in a row of the 4-base unit CAGT starting at c.5038-57; the reference has two copies in a row; one copy, 4 bases duplicated.
Molecular consequence: intron variant.
Genome position (GRCh38, 1-based): chr11:9,785,368-9,785,371, ACTG duplicated on the plus strand (CAGT on the coding strand, the reverse complement: SBF2 is on the minus strand); duplicating any 4 consecutive bases within chr11:9,785,368-9,785,375 gives the same sequence; the position shown is the placement nearest the transcript's 3' end. VCF-style (leftmost placement, unchanged base first): chr11-9785367-T-TACTG. GRCh37 (hg19) VCF-style: chr11-9806914-T-TACTG.
Other names: c.4909-57CAGT[3] (NM_001386342.1); c.5134-57CAGT[3] (NM_001386339.1); c.5038-50_5038-49insCAGT (NM_030962.3).
Identifiers: ClinVar variation 673451 (VCV000673451.1), dbSNP rs71453928, ClinGen allele CA5880812.
Genomic context (GRCh38, chr11:9,785,367, plus strand): 5'-GTGTCTTTGGGACTGAAAAAGACAGGACAGGAGCTAGGAAACCTTTACAGACACTTAAAC[T>TACTG]ACTGACTGGAAAATTTCATTTACAAATATTTATCTCAAGGAAAAAACTGGACTAATAAGC-3'